The following is an entry in ClinVar:

ClinVar aggregate classification (germline): Uncertain significance (1 of 4 stars; one submission).

Submission:

Ambry Genetics
Classification: Uncertain significance. Last evaluated: 2024-05-18. Review status: criteria provided, single submitter. Criteria: Ambry Variant Classification Scheme 2023. Collection method: clinical testing. Allele origin: germline.
Comment: The p.P1166Q variant (also known as c.3497C>A), located in coding exon 31 of the KIF1B gene, results from a C to A substitution at nucleotide position 3497. The proline at codon 1166 is replaced by glutamine, an amino acid with similar properties. This amino acid position is conserved. In addition, the in silico prediction for this alteration is inconclusive. Based on the available evidence, the clinical significance of this variant remains unclear.

NM_001365951.3(KIF1B):c.3635C>A (p.Pro1212Gln)

Gene: KIF1B (kinesin family member 1B; plus strand). Cytogenetic location: 1p36.22.
Variant type: single nucleotide variant.
Coding change: c.3635C>A on transcript NM_001365951.3 (MANE Select); coding-DNA position 3635, C replaced by A.
Protein change: p.Pro1212Gln; replaces proline 1212 with glutamine.
Molecular consequence: missense variant.
Genome position (GRCh38, 1-based): chr1:10,343,234, C>A. VCF-style: chr1-10343234-C-A. GRCh37 (hg19) VCF-style: chr1-10403292-C-A.
Other names: c.3635C>A, p.Pro1212Gln (NM_001365952.1); c.3497C>A, p.Pro1166Gln (NM_015074.3); short protein forms P1166Q, P1212Q.
Identifiers: ClinVar variation 3288456 (VCV003288456.1).